The following is an entry in ClinVar:

ClinVar aggregate classification (germline): Uncertain significance. Review status: criteria provided, multiple submitters, no conflicts (2 of 4 stars). 3 submissions from 3 submitters: Uncertain significance (3). Last evaluated 2025-12-10.

Conditions:
Classic or attenuated familial adenomatous polyposis. Identifiers: MedGen CN372698, MONDO:0021057.
Familial adenomatous polyposis 1 (FAP1). Also called: POLYPOSIS, ADENOMATOUS INTESTINAL; FAMILIAL ADENOMATOUS POLYPOSIS 1, ATTENUATED. Identifiers: MedGen C2713442, MONDO:0021056, OMIM 175100. Disease mechanism: loss of function.
Hereditary cancer-predisposing syndrome. Also called: Neoplastic Syndromes, Hereditary; Tumor predisposition; Hereditary neoplastic syndrome; Hereditary Cancer Syndrome. Identifiers: Orphanet 140162, MedGen C0027672, MeSH D009386, MONDO:0015356.

Submissions (3):

Ambry Genetics
Classification: Uncertain significance for Hereditary cancer-predisposing syndrome. Last evaluated: 2025-12-10. Review status: criteria provided, single submitter. Criteria: Ambry Variant Classification Scheme 2023. Collection method: clinical testing. Allele origin: germline.
Comment: The p.D1939E variant (also known as c.5817C>G), located in coding exon 15 of the APC gene, results from a C to G substitution at nucleotide position 5817. The aspartic acid at codon 1939 is replaced by glutamic acid, an amino acid with highly similar properties. This amino acid position is not well conserved in available vertebrate species. Missense variants in APC are not a common cause of disease (Spier I et al. Genet Med. 2024 Feb;26(2):100992). In addition, in silico predictors for this gene do not accurately predict pathogenicity. Based on the available evidence, the clinical significance of this variant remains unclear.

All of Us Research Program, National Institutes of Health
Classification: Uncertain significance for Classic or attenuated familial adenomatous polyposis. Last evaluated: 2023-06-26. Review status: criteria provided, single submitter. Criteria: ACMG Guidelines, 2015. Collection method: clinical testing. Allele origin: germline. Inheritance: Autosomal dominant inheritance. Observed: 1 variant allele, 1 heterozygote.
Comment: This missense variant replaces aspartic acid with glutamic acid at codon 1939 of the APC protein. Computational prediction suggests that this variant may not impact protein structure and function (internally defined REVEL score threshold <= 0.5, PMID: 27666373). To our knowledge, functional studies have not been reported for this variant. This variant has not been reported in individuals affected with APC-related disorders in the literature. This variant has not been identified in the general population by the Genome Aggregation Database (gnomAD). The available evidence is insufficient to determine the role of this variant in disease conclusively. Therefore, this variant is classified as a Variant of Uncertain Significance.

This study involves interpretation of variants in research participants for the purpose of population health screening. Participant phenotype was not available at the time of variant classification. Additional details can be found in publication PMID: 35346344, PMCID: PMC8962531

Labcorp Genetics (formerly Invitae), Labcorp
Classification: Uncertain significance for Familial adenomatous polyposis 1. Last evaluated: 2021-05-31. Review status: criteria provided, single submitter. Criteria: Invitae Variant Classification Sherloc (09022015). Collection method: clinical testing. Allele origin: germline.
Comment: This sequence change replaces aspartic acid with glutamic acid at codon 1939 of the APC protein (p.Asp1939Glu). The aspartic acid residue is highly conserved and there is a small physicochemical difference between aspartic acid and glutamic acid. In summary, the available evidence is currently insufficient to determine the role of this variant in disease. Therefore, it has been classified as a Variant of Uncertain Significance. Algorithms developed to predict the effect of missense changes on protein structure and function (SIFT, PolyPhen-2, Align-GVGD) all suggest that this variant is likely to be tolerated, but these predictions have not been confirmed by published functional studies and their clinical significance is uncertain. This variant has not been reported in the literature in individuals with APC-related conditions. ClinVar contains an entry for this variant (Variation ID: 825991). This variant is not present in population databases (ExAC no frequency).

NM_000038.6(APC):c.5817C>G (p.Asp1939Glu)

Gene: APC (APC regulator of Wnt signaling pathway; plus strand). Cytogenetic location: 5q22.2.
Variant type: single nucleotide variant.
Coding change: c.5817C>G on transcript NM_000038.6 (MANE Select); coding-DNA position 5817, C replaced by G.
Protein change: p.Asp1939Glu; replaces aspartic acid 1939 with glutamic acid.
Molecular consequence: missense variant.
Genome position (GRCh38, 1-based): chr5:112,841,411, C>G. VCF-style: chr5-112841411-C-G. GRCh37 (hg19) VCF-style: chr5-112177108-C-G.
Other names: c.5817C>G, p.Asp1939Glu (NM_001127510.3, NM_001354895.2); c.5763C>G, p.Asp1921Glu (NM_001127511.3); c.5871C>G, p.Asp1957Glu (NM_001354896.2); c.5847C>G, p.Asp1949Glu (NM_001354897.2); c.5742C>G, p.Asp1914Glu (NM_001354898.2); c.5733C>G, p.Asp1911Glu (NM_001354899.2); c.5694C>G, p.Asp1898Glu (NM_001354900.2); c.5640C>G, p.Asp1880Glu (NM_001354901.2); and 5 more; short protein forms D1779E, D1921E, D1949E, D1656E, D1838E, D1880E, D1939E, D1957E.
Identifiers: ClinVar variation 825991 (VCV000825991.14), dbSNP rs1580664287, ClinGen allele CA16034058.